The following is an entry in ClinVar:

NM_001358921.2(COQ2):c.543-4_543del

Gene: COQ2 (coenzyme Q2, polyprenyltransferase; minus strand). Cytogenetic location: 4q21.23.
Variant type: Deletion.
Coding change: c.543-4_543del on transcript NM_001358921.2 (MANE Select); 4 bases into the intron before coding-DNA position 543 through coding-DNA position 543, 5 bases deleted (TCAGT; older notation c.543-4_543delTCAGT).
Molecular consequence: splice acceptor variant.
Genome position (GRCh38, 1-based): chr4:83,272,172-83,272,176, ACTGA deleted on the plus strand (TCAGT on the coding strand, the reverse complement: COQ2 is on the minus strand); deleting any 5 consecutive bases within chr4:83,272,172-83,272,177 gives the same sequence; the c. name uses the placement nearest the transcript's 3' end. VCF-style (leftmost placement, unchanged base first): chr4-83272171-TACTGA-T. GRCh37 (hg19) VCF-style: chr4-84193324-TACTGA-T.
Other names: p.Ser231Argfs*2; c.693-4_693del (NM_015697.9).
Identifiers: ClinVar variation 3380984 (VCV003380984.3).

ClinVar aggregate classification (germline): Likely pathogenic. Review status: criteria provided, multiple submitters, no conflicts (2 of 4 stars). 3 submissions from 3 submitters: Likely pathogenic (3). Last evaluated 2025-11-24.

Conditions:
Coenzyme Q10 deficiency, primary, 1. Also called: UBIQUINONE DEFICIENCY 1; COENZYME Q DEFICIENCY 1; CoQ DEFICIENCY 1. Identifiers: Orphanet 255249, MedGen C3551954, MONDO:0011829, OMIM 607426.
Multiple system atrophy 1, susceptibility to. Also called: MSA1, SUSCEPTIBILITY TO. Identifiers: MedGen C3714927, MONDO:0020715, OMIM 146500.

Submissions (3):

Labcorp Genetics (formerly Invitae), Labcorp
Classification: Likely pathogenic. Last evaluated: 2025-11-24. Review status: criteria provided, single submitter. Criteria: Invitae Variant Classification Sherloc (09022015). Collection method: clinical testing. Allele origin: germline.
Comment: This variant results in the deletion of part of exon 4 (c.693-4_693del) of the COQ2 gene. It is expected to disrupt RNA splicing. Variants that disrupt the donor or acceptor splice site typically lead to a loss of protein function (PMID: 16199547), and loss-of-function variants in COQ2 are known to be pathogenic (PMID: 16400613, 17374725). This variant is present in population databases (rs748990158, gnomAD 0.002%). This variant has not been reported in the literature in individuals affected with COQ2-related conditions. ClinVar contains an entry for this variant (Variation ID: 3380984). Algorithms developed to predict the effect of sequence changes on RNA splicing suggest that this variant may disrupt the consensus splice site. In summary, the currently available evidence indicates that the variant is pathogenic, but additional data are needed to prove that conclusively. Therefore, this variant has been classified as Likely Pathogenic.

Fulgent Genetics
Classification: Likely pathogenic for Multiple system atrophy 1, susceptibility to; Coenzyme Q10 deficiency, primary, 1. Last evaluated: 2024-01-04. Review status: criteria provided, single submitter. Criteria: ACMG Guidelines, 2015. Collection method: clinical testing. Allele origin: germline.

Mayo Clinic Laboratories, Mayo Clinic
Classification: Likely pathogenic. Last evaluated: 2023-09-13. Review status: criteria provided, single submitter. Criteria: ACMG Guidelines, 2015. Collection method: clinical testing. Allele origin: germline. Observed: 1 variant allele.
Comment: PM2_moderate, PVS1

Literature cited by the submitters: PubMed 16199547 (cited by Labcorp Genetics (formerly Invitae), Labcorp); PubMed 16400613 (cited by Labcorp Genetics (formerly Invitae), Labcorp); PubMed 17374725 (cited by Labcorp Genetics (formerly Invitae), Labcorp).